The following is an entry in ClinVar:

NM_003737.4(DCHS1):c.4046C>G (p.Ser1349Cys)

Gene: DCHS1 (dachsous cadherin-related 1; minus strand). Cytogenetic location: 11p15.4.
Variant type: single nucleotide variant.
Coding change: c.4046C>G on transcript NM_003737.4 (MANE Select); coding-DNA position 4046, C replaced by G.
Protein change: p.Ser1349Cys; replaces serine 1349 with cysteine.
Molecular consequence: missense variant.
Genome position (GRCh38, 1-based): chr11:6,630,748, G>C on the plus strand (C>G on the coding strand, the complement: DCHS1 is on the minus strand). VCF-style: chr11-6630748-G-C. GRCh37 (hg19) VCF-style: chr11-6651979-G-C.
Other names: c.4046C>G (NM_003737.2); short protein forms S1349C.
Identifiers: ClinVar variation 2876419 (VCV002876419.4), dbSNP rs1589956191, ClinGen allele CA379407456.

ClinVar aggregate classification (germline): Uncertain significance. Review status: criteria provided, multiple submitters, no conflicts (2 of 4 stars). 2 submissions from 2 submitters: Uncertain significance (2). Last evaluated 2025-03-04.

Conditions:
Inborn genetic diseases. Identifiers: MedGen C0950123, MeSH D030342.

gnomAD v4.1: 1 of 1,545,626 alleles (0.000065%); highest among the groups gnomAD compares: Non-Finnish European, 0.000087%; no homozygotes.

Submissions (2):

Labcorp Genetics (formerly Invitae), Labcorp
Classification: Uncertain significance. Last evaluated: 2025-03-04. Review status: criteria provided, single submitter. Criteria: Invitae Variant Classification Sherloc (09022015). Collection method: clinical testing. Allele origin: germline.
Comment: This sequence change replaces serine, which is neutral and polar, with cysteine, which is neutral and slightly polar, at codon 1349 of the DCHS1 protein (p.Ser1349Cys). This variant is not present in population databases (gnomAD no frequency). This variant has not been reported in the literature in individuals affected with DCHS1-related conditions. ClinVar contains an entry for this variant (Variation ID: 2876419). Invitae Evidence Modeling of protein sequence and biophysical properties (such as structural, functional, and spatial information, amino acid conservation, physicochemical variation, residue mobility, and thermodynamic stability) indicates that this missense variant is not expected to disrupt DCHS1 protein function with a negative predictive value of 80%. In summary, the available evidence is currently insufficient to determine the role of this variant in disease. Therefore, it has been classified as a Variant of Uncertain Significance.

Ambry Genetics
Classification: Uncertain significance for Inborn genetic diseases. Last evaluated: 2024-12-11. Review status: criteria provided, single submitter. Criteria: Ambry Variant Classification Scheme 2023. Collection method: clinical testing. Allele origin: germline.